The following is an entry in ClinVar:

ClinVar aggregate classification (germline): Uncertain significance. Review status: criteria provided, multiple submitters, no conflicts (2 of 4 stars). 2 submissions from 2 submitters: Uncertain significance (2). Last evaluated 2024-11-20.

Conditions:
Triosephosphate isomerase deficiency (TPID). Also called: Triose phosphate isomerase deficiency. Identifiers: Orphanet 868, MedGen C1860808, MONDO:0014221, OMIM 615512.

Allele frequency attached by ClinVar (database versions not stated): gnomAD exomes below 0.00001; gnomAD 0.00006; TOPMed 0.00014.
gnomAD v4.1: 18 of 1,612,934 alleles (0.0011%); highest among the groups gnomAD compares: Admixed American, 0.015%; no homozygotes.

Submissions (2):

Revvity Omics, Revvity
Classification: Uncertain significance for Triosephosphate isomerase deficiency. Last evaluated: 2024-11-20. Review status: criteria provided, single submitter. Criteria: ACMG Guidelines, 2015. Collection method: clinical testing. Allele origin: germline.

Athena Diagnostics
Classification: Uncertain significance. Last evaluated: 2019-11-12. Review status: criteria provided, single submitter. Criteria: Athena Diagnostics Criteria. Collection method: clinical testing. Allele origin: unknown.
Comment: This observation is not an independent occurrence and has been identified in the same individual by RCIGM, the other laboratory participating in the GEMINI study.

NM_000365.6(TPI1):c.49G>A (p.Gly17Arg)

Gene: TPI1 (triosephosphate isomerase 1; plus strand). Cytogenetic location: 12p13.31.
Variant type: single nucleotide variant.
Coding change: c.49G>A on transcript NM_000365.6 (MANE Select); coding-DNA position 49, G replaced by A.
Protein change: p.Gly17Arg; replaces glycine 17 with arginine.
Molecular consequence: missense variant.
Genome position (GRCh38, 1-based): chr12:6,867,615, G>A. VCF-style: chr12-6867615-G-A. GRCh37 (hg19) VCF-style: chr12-6976779-G-A.
Other names: c.160G>A, p.Gly54Arg (NM_001159287.1); short protein forms G17R, G54R.
Identifiers: ClinVar variation 1809736 (VCV001809736.2), dbSNP rs1346913175, ClinGen allele CA383708962.